The following is an entry in ClinVar:

ClinVar aggregate classification (germline): Uncertain significance (1 of 4 stars; one submission).

Conditions:
Left ventricular noncompaction 1 (LVNC1). Also called: LEFT VENTRICULAR NONCOMPACTION 1 WITH OR WITHOUT CONGENITAL HEART DEFECTS. Identifiers: Orphanet 54260, MedGen C1858725, MONDO:0011403, OMIM 604169.

Allele frequency attached by ClinVar (database versions not stated): gnomAD exomes below 0.00001; gnomAD 0.00001; TOPMed 0.00001; ExAC 0.00002.
gnomAD v4.1: 9 of 1,614,016 alleles (0.00056%); highest among the groups gnomAD compares: Middle Eastern, 0.016%; no homozygotes.

Submission:

Labcorp Genetics (formerly Invitae), Labcorp
Classification: Uncertain significance for Left ventricular noncompaction 1. Last evaluated: 2022-04-18. Review status: criteria provided, single submitter. Criteria: Invitae Variant Classification Sherloc (09022015). Collection method: clinical testing. Allele origin: germline.
Comment: In summary, the available evidence is currently insufficient to determine the role of this variant in disease. Therefore, it has been classified as a Variant of Uncertain Significance. Algorithms developed to predict the effect of missense changes on protein structure and function (SIFT, PolyPhen-2, Align-GVGD) all suggest that this variant is likely to be disruptive. This variant has not been reported in the literature in individuals affected with DTNA-related conditions. This variant is present in population databases (rs769262906, gnomAD 0.007%). This sequence change replaces arginine, which is basic and polar, with cysteine, which is neutral and slightly polar, at codon 80 of the DTNA protein (p.Arg80Cys).

NM_001386795.1(DTNA):c.238C>T (p.Arg80Cys)

Gene: DTNA (dystrobrevin alpha; plus strand). Cytogenetic location: 18q12.1.
Variant type: single nucleotide variant.
Coding change: c.238C>T on transcript NM_001386795.1 (MANE Select); coding-DNA position 238, C replaced by T.
Protein change: p.Arg80Cys; replaces arginine 80 with cysteine.
Molecular consequence: missense variant.
Genome position (GRCh38, 1-based): chr18:34,794,126, C>T. VCF-style: chr18-34794126-C-T. GRCh37 (hg19) VCF-style: chr18-32374090-C-T.
Other names: c.238C>T, p.Arg80Cys (NM_001128175.2, NM_001198938.2, NM_001198939.2 and 35 more transcripts); short protein forms R80C.
Identifiers: ClinVar variation 2143902 (VCV002143902.4), dbSNP rs769262906, ClinGen allele CA8935323.